The following is an entry in ClinVar:

NM_201384.3(PLEC):c.7485C>T (p.Phe2495=)

Gene: PLEC (plectin; minus strand). Cytogenetic location: 8q24.3.
Variant type: single nucleotide variant.
Coding change: c.7485C>T on transcript NM_201384.3 (MANE Select); coding-DNA position 7485, C replaced by T.
Protein change: p.Phe2495=; no amino-acid change (phenylalanine 2495 retained).
Molecular consequence: synonymous variant.
Genome position (GRCh38, 1-based): chr8:143,922,336, G>A on the plus strand (C>T on the coding strand, the complement: PLEC is on the minus strand). VCF-style: chr8-143922336-G-A. GRCh37 (hg19) VCF-style: chr8-144996504-G-A.
Other names: c.7566C>T, p.Phe2522= (NM_000445.5); c.7443C>T, p.Phe2481= (NM_201378.4); c.7419C>T, p.Phe2473= (NM_201379.3); c.7896C>T, p.Phe2632= (NM_201380.4); c.7389C>T, p.Phe2463= (NM_201381.3); c.7485C>T, p.Phe2495= (NM_201382.4); c.7497C>T, p.Phe2499= (NM_201383.3).
Identifiers: ClinVar variation 387335 (VCV000387335.16), dbSNP rs542567139, ClinGen allele CA4925606.

ClinVar aggregate classification (germline): Conflicting classifications of pathogenicity. Review status: criteria provided, conflicting classifications (1 of 4 stars). 5 submissions from 5 submitters: Uncertain significance (1); Likely benign (4). Last evaluated 2025-08-04.

Conditions:
PLEC-related disorder. Also called: PLEC-related disorders; PLEC-related condition.
Autosomal recessive limb-girdle muscular dystrophy type 2Q (LGMDR17). Also called: MUSCULAR DYSTROPHY, LIMB-GIRDLE, AUTOSOMAL RECESSIVE 17. Identifiers: Orphanet 254361, MedGen C3150989, MONDO:0013390, OMIM 613723.
Epidermolysis bullosa simplex 5B, with muscular dystrophy (EBS5B). Also called: EPIDERMOLYSIS BULLOSA SIMPLEX AND LIMB-GIRDLE MUSCULAR DYSTROPHY; Epidermolysis bullosa simplex with muscular dystrophy. Identifiers: Orphanet 257, MedGen C2931072, MONDO:0009181, OMIM 226670.
Epidermolysis bullosa simplex with nail dystrophy (EBS5D). Identifiers: MedGen C4225309, MONDO:0014661, OMIM 616487.
Epidermolysis bullosa simplex, Ogna type (EBS5A). Also called: Pidermolysis bullosa simplex 5A, Ogna type; EPIDERMOLYSIS BULLOSA SIMPLEX 5A, OGNA TYPE. Identifiers: Orphanet 79401, MedGen C0432317, MONDO:0007555, OMIM 131950.
Epidermolysis bullosa simplex 5C, with pyloric atresia (EBS5C). Also called: PLEC1-Related Epidermolysis Bullosa with Pyloric Atresia; PLEC-Related Epidermolysis Bullosa with Pyloric Atresia; Epidermolysis bullosa simplex with pyloric atresia. Identifiers: Orphanet 158684, MedGen C2677349, MONDO:0012807, OMIM 612138.

Allele frequency attached by ClinVar (database versions not stated): TOPMed 0.00004; gnomAD 0.00005 and 0.00006; ExAC 0.00006; gnomAD exomes 0.00008 and 0.00009; 1000 Genomes Project 30x 0.00016; 1000 Genomes Project 0.00020.
gnomAD v4.1: 133 of 1,606,332 alleles (0.0083%); highest among the groups gnomAD compares: Middle Eastern, 0.017%; no homozygotes.

Submissions (5):

Labcorp Genetics (formerly Invitae), Labcorp
Classification: Likely benign for Autosomal recessive limb-girdle muscular dystrophy type 2Q; Epidermolysis bullosa simplex, Ogna type; Epidermolysis bullosa simplex with nail dystrophy; Epidermolysis bullosa simplex 5C, with pyloric atresia; Epidermolysis bullosa simplex 5B, with muscular dystrophy. Last evaluated: 2025-08-04. Review status: criteria provided, single submitter. Criteria: Invitae Variant Classification Sherloc (09022015). Collection method: clinical testing. Allele origin: germline.

PreventionGenetics, part of Exact Sciences
Classification: Likely benign for PLEC-related condition. Last evaluated: 2025-07-19. Review status: criteria provided, single submitter. Criteria: ACMG Guidelines, 2015. Collection method: clinical testing. Allele origin: germline.
Comment: This variant is classified as likely benign based on ACMG/AMP sequence variant interpretation guidelines (Richards et al. 2015 PMID: 25741868, with internal and published modifications).

Blueprint Genetics
Classification: Likely benign. Last evaluated: 2023-08-10. Review status: criteria provided, single submitter. Criteria: ACMG Guidelines, 2015. Collection method: clinical testing. Allele origin: germline.

Eurofins Ntd Llc (ga)
Classification: Uncertain significance. Last evaluated: 2018-06-15. Review status: criteria provided, single submitter. Criteria: EGL ClinVar v180209 classification definitions. Collection method: clinical testing. Allele origin: germline. Observed: 1 variant allele, 1 heterozygote.

GeneDx
Classification: Likely benign. Last evaluated: 2016-09-30. Review status: criteria provided, single submitter. Criteria: GeneDx Variant Classification (06012015). Collection method: clinical testing. Allele origin: germline. Affected: yes.
Comment: This variant is considered likely benign or benign based on one or more of the following criteria: it is a conservative change, it occurs at a poorly conserved position in the protein, it is predicted to be benign by multiple in silico algorithms, and/or has population frequency not consistent with disease.